The following is an entry in ClinVar:

ClinVar aggregate classification (germline): Uncertain significance (1 of 4 stars; one submission).

Conditions:
Hereditary cancer-predisposing syndrome. Also called: Neoplastic Syndromes, Hereditary; Tumor predisposition; Hereditary neoplastic syndrome; Hereditary Cancer Syndrome. Identifiers: Orphanet 140162, MedGen C0027672, MeSH D009386, MONDO:0015356.

Submission:

Ambry Genetics
Classification: Uncertain significance for Hereditary cancer-predisposing syndrome. Last evaluated: 2023-12-04. Review status: criteria provided, single submitter. Criteria: Ambry Variant Classification Scheme 2023. Collection method: clinical testing. Allele origin: germline.
Comment: The p.G990C variant (also known as c.2968G>T), located in coding exon 21 of the PDGFRA gene, results from a G to T substitution at nucleotide position 2968. The glycine at codon 990 is replaced by cysteine, an amino acid with highly dissimilar properties. This amino acid position is conserved. In addition, the in silico prediction for this alteration is inconclusive. Since supporting evidence is limited at this time, the clinical significance of this alteration remains unclear.

NM_006206.6(PDGFRA):c.2968G>T (p.Gly990Cys)

Gene: PDGFRA (platelet derived growth factor receptor alpha; plus strand). Cytogenetic location: 4q12.
Variant type: single nucleotide variant.
Coding change: c.2968G>T on transcript NM_006206.6 (MANE Select); coding-DNA position 2968, G replaced by T.
Protein change: p.Gly990Cys; replaces glycine 990 with cysteine.
Molecular consequence: missense variant.
Genome position (GRCh38, 1-based): chr4:54,290,400, G>T. VCF-style: chr4-54290400-G-T. GRCh37 (hg19) VCF-style: chr4-55156567-G-T.
Other names: c.3043G>T, p.Gly1015Cys (NM_001347828.2); c.2968G>T, p.Gly990Cys (NM_001347829.2); c.3007G>T, p.Gly1003Cys (NM_001347830.2); short protein forms G1003C, G1015C, G990C.
Identifiers: ClinVar variation 3225296 (VCV003225296.1), dbSNP rs2475565466, ClinGen allele CA356896088.
Genomic context (GRCh38, chr4:54,290,400, plus strand): 5'-CTGAAGAGTGACCATCCTGCTGTGGCACGCATGCGTGTGGACTCAGACAATGCATACATT[G>T]GTGTCACCTACAAAAACGAGGAAGACAAGCTGAAGGACTGGGAGGGTGGTCTGGATGAGC-3'
Protein context (NP_006197.1, residues 980-1000): MRVDSDNAYI[Gly990Cys]VTYKNEEDKL